The following is an entry in ClinVar:

ClinVar aggregate classification (germline): Uncertain significance. Review status: criteria provided, multiple submitters, no conflicts (2 of 4 stars). 2 submissions from 2 submitters: Uncertain significance (2). Last evaluated 2025-11-15.

Conditions:
Norman-Roberts syndrome (LIS2). Also called: Lissencephaly 2 (Norman-Roberts type). Identifiers: Orphanet 89844, MedGen C0796089, MONDO:0009760, OMIM 257320.
Familial temporal lobe epilepsy 7. Identifiers: Orphanet 101046, MedGen C4225327, MONDO:0014639, OMIM 616436.

Allele frequency attached by ClinVar (database versions not stated): gnomAD 0.00001; TOPMed 0.00003.
gnomAD v4.1: 15 of 1,613,856 alleles (0.00093%); highest among the groups gnomAD compares: Non-Finnish European, 0.0013%; no homozygotes.

Submissions (2):

Labcorp Genetics (formerly Invitae), Labcorp
Classification: Uncertain significance for Familial temporal lobe epilepsy 7; Norman-Roberts syndrome. Last evaluated: 2025-11-15. Review status: criteria provided, single submitter. Criteria: Invitae Variant Classification Sherloc (09022015). Collection method: clinical testing. Allele origin: germline.
Comment: This sequence change replaces leucine, which is neutral and non-polar, with phenylalanine, which is neutral and non-polar, at codon 809 of the RELN protein (p.Leu809Phe). This variant is not present in population databases (gnomAD no frequency). This variant has not been reported in the literature in individuals affected with RELN-related conditions. ClinVar contains an entry for this variant (Variation ID: 1299087). Invitae Evidence Modeling of protein sequence and biophysical properties (such as structural, functional, and spatial information, amino acid conservation, physicochemical variation, residue mobility, and thermodynamic stability) indicates that this missense variant is not expected to disrupt RELN protein function with a negative predictive value of 80%. In summary, the available evidence is currently insufficient to determine the role of this variant in disease. Therefore, it has been classified as a Variant of Uncertain Significance.

CeGaT Center for Human Genetics Tuebingen
Classification: Uncertain significance. Last evaluated: 2021-08-01. Review status: criteria provided, single submitter. Criteria: CeGaT Center For Human Genetics Tuebingen Variant Classification Criteria Version 2. Collection method: clinical testing. Allele origin: germline. Affected: yes. Observed: 1 variant allele.

NM_005045.4(RELN):c.2425C>T (p.Leu809Phe)

Gene: RELN (reelin; minus strand). Cytogenetic location: 7q22.1.
Variant type: single nucleotide variant.
Coding change: c.2425C>T on transcript NM_005045.4 (MANE Select); coding-DNA position 2425, C replaced by T.
Protein change: p.Leu809Phe; replaces leucine 809 with phenylalanine.
Molecular consequence: missense variant.
Genome position (GRCh38, 1-based): chr7:103,635,465, G>A on the plus strand (C>T on the coding strand, the complement: RELN is on the minus strand). VCF-style: chr7-103635465-G-A. GRCh37 (hg19) VCF-style: chr7-103275912-G-A.
Other names: c.2425C>T, p.Leu809Phe (NM_173054.3); short protein forms L809F.
Identifiers: ClinVar variation 1299087 (VCV001299087.39), dbSNP rs1452060313, ClinGen allele CA368760019.
Genomic context (GRCh38, chr7:103,635,465, plus strand): 5'-CCAAATGCTTTCCAACATACCTGGGCTCATGATAGCTGAGATATGAATAATGCTCCAGGA[G>A]TTTCCAAGTTATCCCATTATCATAAGAATAATGCAACAAAACTCCTTCACCAGGCTGATC-3'
Protein context (NP_005036.2, residues 799-819): YSYDNGITWK[Leu809Phe]LEHYSYLSYH